The following is an entry in ClinVar:

ClinVar aggregate classification (germline): Uncertain significance. Review status: criteria provided, multiple submitters, no conflicts (2 of 4 stars). 2 submissions from 2 submitters: Uncertain significance (2). Last evaluated 2025-02-10.

Conditions:
Hereditary cancer-predisposing syndrome. Also called: Tumor predisposition; Neoplastic Syndromes, Hereditary; Hereditary Cancer Syndrome; Hereditary neoplastic syndrome. Identifiers: Orphanet 140162, MedGen C0027672, MeSH D009386, MONDO:0015356.
DICER1-related tumor predisposition. Also called: DICER1-related pleuropulmonary blastoma cancer predisposition syndrome; DICER1 syndrome. Identifiers: Orphanet 284343, MedGen C3839822, MONDO:0100216.

Submissions (2):

Labcorp Genetics (formerly Invitae), Labcorp
Classification: Uncertain significance for DICER1-related tumor predisposition. Last evaluated: 2025-02-10. Review status: criteria provided, single submitter. Criteria: Invitae Variant Classification Sherloc (09022015). Collection method: clinical testing. Allele origin: germline.
Comment: This sequence change replaces arginine, which is basic and polar, with glycine, which is neutral and non-polar, at codon 587 of the DICER1 protein (p.Arg587Gly). This variant is not present in population databases (gnomAD no frequency). This variant has not been reported in the literature in individuals affected with DICER1-related conditions. ClinVar contains an entry for this variant (Variation ID: 2919294). Invitae Evidence Modeling of protein sequence and biophysical properties (such as structural, functional, and spatial information, amino acid conservation, physicochemical variation, residue mobility, and thermodynamic stability) indicates that this missense variant is not expected to disrupt DICER1 protein function with a negative predictive value of 95%. In summary, the available evidence is currently insufficient to determine the role of this variant in disease. Therefore, it has been classified as a Variant of Uncertain Significance.

Ambry Genetics
Classification: Uncertain significance for Hereditary cancer-predisposing syndrome. Last evaluated: 2025-01-18. Review status: criteria provided, single submitter. Criteria: Ambry Variant Classification Scheme 2023. Collection method: clinical testing. Allele origin: germline.
Comment: The p.R587G variant (also known as c.1759A>G), located in coding exon 10 of the DICER1 gene, results from an A to G substitution at nucleotide position 1759. The arginine at codon 587 is replaced by glycine, an amino acid with dissimilar properties. This amino acid position is conserved. In addition, the in silico prediction for this alteration is inconclusive. Based on the available evidence, the clinical significance of this variant remains unclear.

NM_177438.3(DICER1):c.1759A>G (p.Arg587Gly)

Gene: DICER1 (dicer 1, ribonuclease III; minus strand). Cytogenetic location: 14q32.13.
Variant type: single nucleotide variant.
Coding change: c.1759A>G on transcript NM_177438.3 (MANE Select); coding-DNA position 1759, A replaced by G.
Protein change: p.Arg587Gly; replaces arginine 587 with glycine.
Molecular consequence: missense variant. On other transcripts: non-coding transcript variant (6).
Genome position (GRCh38, 1-based): chr14:95,115,815, T>C on the plus strand (A>G on the coding strand, the complement: DICER1 is on the minus strand). VCF-style: chr14-95115815-T-C. GRCh37 (hg19) VCF-style: chr14-95582152-T-C.
Other names: c.1759A>G, p.Arg587Gly (NM_001195573.1, NM_001271282.3, NM_001291628.2 and 13 more transcripts); c.1477A>G, p.Arg493Gly (NM_001395686.1); c.1354A>G, p.Arg452Gly (NM_001395687.1, NM_001395688.1, NM_001395689.1 and 3 more transcripts); c.1192A>G, p.Arg398Gly (NM_001395691.1); c.76A>G, p.Arg26Gly (NM_001395697.1); short protein forms R26G, R398G, R493G, R587G, R452G.
Identifiers: ClinVar variation 2919294 (VCV002919294.4), dbSNP rs1595407267, ClinGen allele CA390884196.
Genomic context (GRCh38, chr14:95,115,815, plus strand): 5'-CATCCATGACAGGATCAATGTCAGTCTCACCAGTATCAACCGACTTGGAACACTTGTTTC[T>C]CAAGATCTGAACATTTAAAAAACAGAACTTATGATGAAAACACATCCTCTCTGCTGTATG-3'
Protein context (NP_803187.1, residues 577-597): KTYKAIEKIL[Arg587Gly]NKCSKSVDTG